The following is an entry in ClinVar:

NM_000350.3(ABCA4):c.1957C>A (p.Arg653Ser)

Gene: ABCA4 (ATP binding cassette subfamily A member 4; minus strand). Cytogenetic location: 1p22.1.
Variant type: single nucleotide variant.
Coding change: c.1957C>A on transcript NM_000350.3 (MANE Select); coding-DNA position 1957, C replaced by A.
Protein change: p.Arg653Ser; replaces arginine 653 with serine.
Molecular consequence: missense variant.
Genome position (GRCh38, 1-based): chr1:94,060,740, G>T on the plus strand (C>A on the coding strand, the complement: ABCA4 is on the minus strand). VCF-style: chr1-94060740-G-T. GRCh37 (hg19) VCF-style: chr1-94526296-G-T.
Other names: c.1957C>A, p.Arg653Ser (NM_001425324.1); short protein forms R653S.
Identifiers: ClinVar variation 4745910 (VCV004745910.1).

ClinVar aggregate classification (germline): Pathogenic (1 of 4 stars; one submission).

Submission:

Labcorp Genetics (formerly Invitae), Labcorp
Classification: Pathogenic. Last evaluated: 2025-06-19. Review status: criteria provided, single submitter. Criteria: Invitae Variant Classification Sherloc (09022015). Collection method: clinical testing. Allele origin: germline.
Comment: This sequence change replaces arginine, which is basic and polar, with serine, which is neutral and polar, at codon 653 of the ABCA4 protein (p.Arg653Ser). This variant is not present in population databases (gnomAD no frequency). This missense change has been observed in individual(s) with Stargardt disease (internal data). Invitae Evidence Modeling of protein sequence and biophysical properties (such as structural, functional, and spatial information, amino acid conservation, physicochemical variation, residue mobility, and thermodynamic stability) indicates that this missense variant is expected to disrupt ABCA4 protein function with a positive predictive value of 80%. This variant disrupts the p.Arg653 amino acid residue in ABCA4. Other variant(s) that disrupt this residue have been determined to be pathogenic (PMID: 23776498, 28559085). This suggests that this residue is clinically significant, and that variants that disrupt this residue are likely to be disease-causing. For these reasons, this variant has been classified as Pathogenic.

Literature cited by the submitters: PubMed 23776498; PubMed 28559085.